The following is an entry in ClinVar:

NM_021942.6(TRAPPC11):c.2389C>T (p.Gln797Ter)

Genes: TRAPPC11 (trafficking protein particle complex subunit 11; plus strand), LOC126807238 (BRD4-independent group 4 enhancer GRCh37_chr4:184614366-184615565; plus strand). Cytogenetic location: 4q35.1.
Variant type: single nucleotide variant.
Coding change: c.2389C>T on transcript NM_021942.6 (MANE Select); coding-DNA position 2389, C replaced by T.
Protein change: p.Gln797Ter; replaces glutamine 797 with a stop codon.
Molecular consequence: nonsense.
Genome position (GRCh38, 1-based): chr4:183,693,919, C>T. VCF-style: chr4-183693919-C-T. GRCh37 (hg19) VCF-style: chr4-184615072-C-T.
Other names: c.2389C>T, p.Gln797Ter (NM_199053.3); short protein forms Q797*.
Identifiers: ClinVar variation 1458638 (VCV001458638.7), dbSNP rs2111068100, ClinGen allele CA358871781.
Genomic context (GRCh38, chr4:183,693,919, plus strand): 5'-GATTATTGGGATAATGTTTGAATTCTTTGTTTTGAAGAACCAATATTAACTCTTTTAGGA[C>T]AGGATGCCAATTTAACTCAGAAGACTCACGTGACTCTTCATGGAACAGAACTGTGTGATG-3'

ClinVar aggregate classification (germline): Pathogenic (1 of 4 stars; one submission).

Conditions:
Autosomal recessive limb-girdle muscular dystrophy type R18 (LGMDR18). Also called: Limb-girdle muscular dystrophy, type 2S; MUSCULAR DYSTROPHY, LIMB-GIRDLE, AUTOSOMAL RECESSIVE 18; Autosomal recessive limb-girdle muscular dystrophy type 2S. Identifiers: Orphanet 369840, MedGen C4517996, MONDO:0014144, OMIM 615356.

Submission:

Labcorp Genetics (formerly Invitae), Labcorp
Classification: Pathogenic for Autosomal recessive limb-girdle muscular dystrophy type R18. Last evaluated: 2021-11-04. Review status: criteria provided, single submitter. Criteria: Invitae Variant Classification Sherloc (09022015). Collection method: clinical testing. Allele origin: germline.
Comment: This sequence change creates a premature translational stop signal (p.Gln797*) in the TRAPPC11 gene. It is expected to result in an absent or disrupted protein product. Loss-of-function variants in TRAPPC11 are known to be pathogenic (PMID: 23830518, 26322222). This variant is not present in population databases (gnomAD no frequency). This variant has not been reported in the literature in individuals affected with TRAPPC11-related conditions. For these reasons, this variant has been classified as Pathogenic.

Literature cited by the submitters: PubMed 23830518; PubMed 26322222.